The following is an entry in ClinVar:

NM_153603.4(COG7):c.1293-8C>G

Gene: COG7 (component of oligomeric golgi complex 7; minus strand). Cytogenetic location: 16p12.2.
Variant type: single nucleotide variant.
Coding change: c.1293-8C>G on transcript NM_153603.4 (MANE Select); 8 bases into the intron before coding-DNA position 1293, C replaced by G.
Molecular consequence: intron variant.
Genome position (GRCh38, 1-based): chr16:23,413,572, G>C on the plus strand (C>G on the coding strand, the complement: COG7 is on the minus strand). VCF-style: chr16-23413572-G-C. GRCh37 (hg19) VCF-style: chr16-23424893-G-C.
Other names: c.1293-8C>G (NM_153603.3).
Identifiers: ClinVar variation 4768663 (VCV004768663.2).

ClinVar aggregate classification (germline): Likely benign. Review status: criteria provided, multiple submitters, no conflicts (2 of 4 stars). 2 submissions from 2 submitters: Likely benign (2). Last evaluated 2026-05-28.

Conditions:
COG7-related disorder. Also called: COG7-related condition.
COG7 congenital disorder of glycosylation (CDG2E). Also called: CONGENITAL DISORDER OF GLYCOSYLATION, TYPE IIe; CDG IIe. Identifiers: Orphanet 79333, MedGen C2931010, MONDO:0012118, OMIM 608779.

Submissions (2):

PreventionGenetics, part of Exact Sciences
Classification: Likely benign for COG7-related condition. Last evaluated: 2026-05-28. Review status: criteria provided, single submitter. Criteria: ACMG Guidelines, 2015. Collection method: clinical testing. Allele origin: germline.
Comment: This variant is classified as likely benign based on ACMG/AMP sequence variant interpretation guidelines (Richards et al. 2015 PMID: 25741868, with internal and published modifications).

Labcorp Genetics (formerly Invitae), Labcorp
Classification: Likely benign for COG7 congenital disorder of glycosylation. Last evaluated: 2025-02-12. Review status: criteria provided, single submitter. Criteria: Invitae Variant Classification Sherloc (09022015). Collection method: clinical testing. Allele origin: germline.